The following is an entry in ClinVar:

ClinVar aggregate classification (germline): Uncertain significance (1 of 4 stars; one submission).

Submission:

Labcorp Genetics (formerly Invitae), Labcorp
Classification: Uncertain significance. Last evaluated: 2024-02-07. Review status: criteria provided, single submitter. Criteria: Invitae Variant Classification Sherloc (09022015). Collection method: clinical testing. Allele origin: germline.
Comment: This sequence change replaces cysteine, which is neutral and slightly polar, with arginine, which is basic and polar, at codon 151 of the WNT1 protein (p.Cys151Arg). This variant is present in population databases (rs753343954, gnomAD 0.007%). This variant has not been reported in the literature in individuals affected with WNT1-related conditions. Advanced modeling of protein sequence and biophysical properties (such as structural, functional, and spatial information, amino acid conservation, physicochemical variation, residue mobility, and thermodynamic stability) performed at Invitae indicates that this missense variant is expected to disrupt WNT1 protein function with a positive predictive value of 80%. In summary, the available evidence is currently insufficient to determine the role of this variant in disease. Therefore, it has been classified as a Variant of Uncertain Significance.

NM_005430.4(WNT1):c.451T>C (p.Cys151Arg)

Gene: WNT1 (Wnt family member 1; plus strand). Cytogenetic location: 12q13.12.
Variant type: single nucleotide variant.
Coding change: c.451T>C on transcript NM_005430.4 (MANE Select); coding-DNA position 451, T replaced by C.
Protein change: p.Cys151Arg; replaces cysteine 151 with arginine.
Molecular consequence: missense variant.
Genome position (GRCh38, 1-based): chr12:48,980,516, T>C. VCF-style: chr12-48980516-T-C. GRCh37 (hg19) VCF-style: chr12-49374299-T-C.
Other names: short protein forms C151R.
Identifiers: ClinVar variation 3639520 (VCV003639520.2).